The following is an entry in ClinVar:

ClinVar aggregate classification (germline): Uncertain significance (1 of 4 stars; one submission).

Conditions:
Hereditary cancer-predisposing syndrome. Also called: Neoplastic Syndromes, Hereditary; Tumor predisposition; Hereditary neoplastic syndrome; Hereditary Cancer Syndrome. Identifiers: Orphanet 140162, MedGen C0027672, MeSH D009386, MONDO:0015356.

Submission:

Ambry Genetics
Classification: Uncertain significance for Hereditary cancer-predisposing syndrome. Last evaluated: 2026-07-06. Review status: criteria provided, single submitter. Criteria: Ambry Variant Classification Scheme 2023. Collection method: clinical testing. Allele origin: germline.
Comment: The p.G246A variant (also known as c.737G>C), located in coding exon 7 of the BMPR1A gene, results from a G to C substitution at nucleotide position 737. The glycine at codon 246 is replaced by alanine, an amino acid with similar properties. This amino acid position is conserved. In addition, this alteration is predicted to be deleterious by in silico analysis. Based on the available evidence, the clinical significance of this variant remains unclear.

NM_004329.3(BMPR1A):c.737G>C (p.Gly246Ala)

Gene: BMPR1A (bone morphogenetic protein receptor type 1A; plus strand). Cytogenetic location: 10q23.2.
Variant type: single nucleotide variant.
Coding change: c.737G>C on transcript NM_004329.3 (MANE Select); coding-DNA position 737, G replaced by C.
Protein change: p.Gly246Ala; replaces glycine 246 with alanine.
Molecular consequence: missense variant. On other transcripts: non-coding transcript variant (3).
Genome position (GRCh38, 1-based): chr10:86,917,195, G>C. VCF-style: chr10-86917195-G-C. GRCh37 (hg19) VCF-style: chr10-88676952-G-C.
Other names: c.737G>C, p.Gly246Ala (NM_001406575.1, NM_001406576.1, NM_001406577.1 and 19 more transcripts); c.731G>C, p.Gly244Ala (NM_001406583.1); c.653G>C, p.Gly218Ala (NM_001406584.1, NM_001406585.1, NM_001406586.1 and 2 more transcripts); c.812G>C, p.Gly271Ala (NM_001406559.1); c.785G>C, p.Gly262Ala (NM_001406560.1); c.395G>C, p.Gly132Ala (NM_001406589.1); short protein forms G262A, G246A, G271A, G132A, G218A, G244A.
Identifiers: ClinVar variation 5032970 (VCV005032970.1).